The following is an entry in ClinVar:

ClinVar aggregate classification (germline): Conflicting classifications of pathogenicity. Review status: criteria provided, conflicting classifications (1 of 4 stars). 7 submissions from 6 submitters: Uncertain significance (1); Benign (2); Likely benign (4). Last evaluated 2026-05-01.

Conditions:
Thrombophilia due to thrombin defect (THPH1). Also called: THROMBOPHILIA DUE TO FACTOR 2 DEFECT; Prothrombin-Related Thrombophilia (Factor II); Thrombosis susceptibility; Prothrombin Thrombophilia. Identifiers: MedGen C3160733, MONDO:0008559, OMIM 188050. Disease mechanism: loss of function, gain of function.
Inborn genetic diseases. Identifiers: MedGen C0950123, MeSH D030342.
Congenital prothrombin deficiency. Also called: Factor II deficiency; HYPOPROTHROMBINEMIA; Hereditary factor II deficiency disease; Inherited hypoprothrombinemia; Congenital factor II deficiency; Inherited prothrombin deficiency. Identifiers: Orphanet 325, MedGen C0272317, MONDO:0013361, OMIM 613679.

Allele frequency attached by ClinVar (database versions not stated): 1000 Genomes Project 0.00140; 1000 Genomes Project 30x 0.00141; TOPMed 0.00367; ESP Exome Variant Server 0.00423; gnomAD 0.00454 and 0.00472; gnomAD exomes 0.00480 and 0.00632; ExAC 0.00531.

Submissions (7):

CeGaT Center for Human Genetics Tuebingen
Classification: Likely benign. Last evaluated: 2026-05-01. Review status: criteria provided, single submitter. Criteria: CeGaT Center For Human Genetics Tuebingen Variant Classification Criteria Version 2. Collection method: clinical testing. Allele origin: germline. Affected: yes. Observed: 10 variant alleles.
Comment: F2: BP4, BP7, BS2

Labcorp Genetics (formerly Invitae), Labcorp
Classification: Benign for Congenital prothrombin deficiency. Last evaluated: 2026-02-03. Review status: criteria provided, single submitter. Criteria: Invitae Variant Classification Sherloc (09022015). Collection method: clinical testing. Allele origin: germline.

Ambry Genetics
Classification: Likely benign for Inborn genetic diseases. Last evaluated: 2022-03-25. Review status: criteria provided, single submitter. Criteria: Ambry Variant Classification Scheme 2023. Collection method: clinical testing. Allele origin: germline.

Illumina Laboratory Services, Illumina
Classification: Likely benign for Congenital prothrombin deficiency. Last evaluated: 2018-01-13. Review status: criteria provided, single submitter. Criteria: ICSL Variant Classification Criteria 13 December 2019. Collection method: clinical testing. Allele origin: germline.
Comment: This variant was observed in the ICSL laboratory as part of a predisposition screen in an ostensibly healthy population. It had not been previously curated by ICSL or reported in the Human Gene Mutation Database (HGMD: prior to June 1st, 2018), and was therefore a candidate for classification through an automated scoring system. Utilizing variant allele frequency, disease prevalence and penetrance estimates, and inheritance mode, an automated score was calculated to assess if this variant is too frequent to cause the disease. Based on the score and internal cut-off values, a variant classified as likely benign is not then subjected to further curation. The score for this variant resulted in a classification of likely benign for this disease.

Illumina Laboratory Services, Illumina
Classification: Uncertain significance for Thrombophilia due to thrombin defect. Last evaluated: 2018-01-13. Review status: criteria provided, single submitter. Criteria: ICSL Variant Classification Criteria 13 December 2019. Collection method: clinical testing. Allele origin: germline.

Mayo Clinic Laboratories, Mayo Clinic
Classification: Likely benign. Last evaluated: 2016-08-09. Review status: criteria provided, single submitter. Criteria: ACMG Guidelines, 2015. Collection method: clinical testing. Allele origin: germline. Observed: 2 variant alleles.

PreventionGenetics, part of Exact Sciences
Classification: Benign. Review status: criteria provided, single submitter. Criteria: ACMG Guidelines, 2015. Collection method: clinical testing. Allele origin: germline.

NM_000506.5(F2):c.1824C>T (p.Arg608=)

Gene: F2 (coagulation factor II, thrombin; plus strand). Cytogenetic location: 11p11.2.
Variant type: single nucleotide variant.
Coding change: c.1824C>T on transcript NM_000506.5 (MANE Select); coding-DNA position 1824, C replaced by T.
Protein change: p.Arg608=; no amino-acid change (arginine 608 retained).
Molecular consequence: synonymous variant.
Genome position (GRCh38, 1-based): chr11:46,739,363, C>T. VCF-style: chr11-46739363-C-T. GRCh37 (hg19) VCF-style: chr11-46760913-C-T.
Other names: p.Arg608=.
Identifiers: ClinVar variation 256314 (VCV000256314.56), dbSNP rs3136532, ClinGen allele CA5967408.